The following is an entry in ClinVar:

ClinVar aggregate classification (germline): Uncertain significance. Review status: criteria provided, multiple submitters, no conflicts (2 of 4 stars). 2 submissions from 2 submitters: Uncertain significance (2). Last evaluated 2025-02-05.

Conditions:
Idiopathic Pulmonary Fibrosis. Also called: Idiopathic fibrosing alveolitis, chronic form; idiopathic fibrosing alveolitis. Identifiers: Orphanet 2032, MedGen C1800706, MeSH D054990, MONDO:0800504.
Dyskeratosis congenita, autosomal dominant 2. Identifiers: MedGen C3151443, MONDO:0013521, OMIM 613989.
Dyskeratosis congenita. Identifiers: Orphanet 1775, MedGen C0265965, MONDO:0015780.

Submissions (2):

Ambry Genetics
Classification: Uncertain significance for Dyskeratosis congenita. Last evaluated: 2025-02-05. Review status: criteria provided, single submitter. Criteria: Ambry Variant Classification Scheme 2023. Collection method: clinical testing. Allele origin: germline.
Comment: The p.T783I variant (also known as c.2348C>T), located in coding exon 7 of the TERT gene, results from a C to T substitution at nucleotide position 2348. The threonine at codon 783 is replaced by isoleucine, an amino acid with similar properties. This amino acid position is conserved. In addition, this alteration is predicted to be tolerated by in silico analysis. Based on the available evidence, the clinical significance of this variant remains unclear.

Labcorp Genetics (formerly Invitae), Labcorp
Classification: Uncertain significance for Dyskeratosis congenita, autosomal dominant 2; Idiopathic Pulmonary Fibrosis. Last evaluated: 2021-04-26. Review status: criteria provided, single submitter. Criteria: Invitae Variant Classification Sherloc (09022015). Collection method: clinical testing. Allele origin: germline.
Comment: This variant has not been reported in the literature in individuals with TERT-related conditions. In summary, the available evidence is currently insufficient to determine the role of this variant in disease. Therefore, it has been classified as a Variant of Uncertain Significance. Algorithms developed to predict the effect of missense changes on protein structure and function are either unavailable or do not agree on the potential impact of this missense change (SIFT: "Tolerated"; PolyPhen-2: "Possibly Damaging"; Align-GVGD: "Class C0"). This variant is not present in population databases (ExAC no frequency). This sequence change replaces threonine with isoleucine at codon 783 of the TERT protein (p.Thr783Ile). The threonine residue is weakly conserved and there is a moderate physicochemical difference between threonine and isoleucine.

NM_198253.3(TERT):c.2348C>T (p.Thr783Ile)

Gene: TERT (telomerase reverse transcriptase; minus strand). Cytogenetic location: 5p15.33.
Variant type: single nucleotide variant.
Coding change: c.2348C>T on transcript NM_198253.3 (MANE Select); coding-DNA position 2348, C replaced by T.
Protein change: p.Thr783Ile; replaces threonine 783 with isoleucine.
Molecular consequence: missense variant.
Genome position (GRCh38, 1-based): chr5:1,272,219, G>A on the plus strand (C>T on the coding strand, the complement: TERT is on the minus strand). VCF-style: chr5-1272219-G-A. GRCh37 (hg19) VCF-style: chr5-1272334-G-A.
Other names: c.2348C>T (NM_198253.2); c.2348C>T, p.Thr783Ile (NM_001193376.3); short protein forms T783I.
Identifiers: ClinVar variation 1363582 (VCV001363582.9), dbSNP rs2126617732, ClinGen allele CA359076294.